The following is an entry in ClinVar:

NM_012452.3(TNFRSF13B):c.460A>T (p.Lys154Ter)

Gene: TNFRSF13B (TNF receptor superfamily member 13B; minus strand). Cytogenetic location: 17p11.2.
Variant type: single nucleotide variant.
Coding change: c.460A>T on transcript NM_012452.3 (MANE Select); coding-DNA position 460, A replaced by T.
Protein change: p.Lys154Ter; replaces lysine 154 with a stop codon.
Molecular consequence: nonsense.
Genome position (GRCh38, 1-based): chr17:16,940,497, T>A on the plus strand (A>T on the coding strand, the complement: TNFRSF13B is on the minus strand). VCF-style: chr17-16940497-T-A. GRCh37 (hg19) VCF-style: chr17-16843811-T-A.
Other names: short protein forms K154*.
Identifiers: ClinVar variation 5005696 (VCV005005696.2).

ClinVar aggregate classification (germline): Likely pathogenic (1 of 4 stars; one submission).

Conditions:
Immunodeficiency, common variable, 2 (CVID2). Also called: ANTIBODY DEFICIENCY DUE TO TACI DEFECT; HYPOGAMMAGLOBULINEMIA DUE TO TACI DEFICIENCY. Identifiers: Orphanet 1572, MedGen C3150354, MONDO:0009413, OMIM 240500.
Immunoglobulin A deficiency 2 (IGAD2). Identifiers: MedGen C1836032, MONDO:0012291, OMIM 609529.

gnomAD v4.1: 11 of 1,613,616 alleles (0.00068%); highest among the groups gnomAD compares: East Asian, 0.022%; no homozygotes.

Submission:

Juno Genomics, Hangzhou Juno Genomics, Inc
Classification: Likely pathogenic for Immunodeficiency, common variable, 2; Immunoglobulin A deficiency 2. Review status: criteria provided, single submitter. Criteria: ACMG Guidelines, 2015. Collection method: clinical testing. Allele origin: germline.
Comment: Null variant in a gene where loss of function (LOF) is a known mechanism of disease.;Absent from controls (or at extremely low frequency if recessive) in Genome Aggregation Database.